The following is an entry in ClinVar:

NM_001079855.2(GYG2):c.650G>A (p.Gly217Glu)

Gene: GYG2 (glycogenin 2; plus strand). Cytogenetic location: Xp22.33.
Variant type: single nucleotide variant.
Coding change: c.650G>A on transcript NM_001079855.2 (MANE Select); coding-DNA position 650, G replaced by A.
Protein change: p.Gly217Glu; replaces glycine 217 with glutamic acid.
Molecular consequence: missense variant.
Genome position (GRCh38, 1-based): chrX:2,859,878, G>A. VCF-style: chrX-2859878-G-A. GRCh37 (hg19) VCF-style: chrX-2777919-G-A.
Other names: c.650G>A, p.Gly217Glu (NM_001184702.2); c.743G>A, p.Gly248Glu (NM_001184703.2, NM_003918.3); c.185G>A, p.Gly62Glu (NM_001184704.2); short protein forms G217E, G248E, G62E.
Identifiers: ClinVar variation 2659861 (VCV002659861.24), dbSNP rs2519370320, ClinGen allele CA412265174.

ClinVar aggregate classification (germline): Uncertain significance (1 of 4 stars; one submission).

gnomAD v4.1: 1 of 1,204,258 alleles (0.000083%); highest among the groups gnomAD compares: Non-Finnish European, 0.00011%; no homozygotes.

Submission:

CeGaT Center for Human Genetics Tuebingen
Classification: Uncertain significance. Last evaluated: 2022-05-01. Review status: criteria provided, single submitter. Criteria: CeGaT Center For Human Genetics Tuebingen Variant Classification Criteria Version 2. Collection method: clinical testing. Allele origin: germline. Affected: yes. Observed: 1 variant allele.
Comment: GYG2: PM2